The following is an entry in ClinVar:

NM_000551.4(VHL):c.340+672G>T

Genes: VHL (von Hippel-Lindau tumor suppressor; plus strand), LOC107303340 (3p25 von Hippel-Lindau tumor suppressor, E3 ubiquitin protein ligase Alu-mediated recombination region; plus strand). Cytogenetic location: 3p25.3.
Variant type: single nucleotide variant.
Coding change: c.340+672G>T on transcript NM_000551.4 (MANE Select); 672 bases into the intron after coding-DNA position 340, G replaced by T.
Molecular consequence: intron variant. On other transcripts: missense variant (1).
Genome position (GRCh38, 1-based): chr3:10,142,859, G>T. VCF-style: chr3-10142859-G-T. GRCh37 (hg19) VCF-style: chr3-10184543-G-T.
Other names: c.437G>T, p.Ser146Ile (NM_001354723.2); c.340+672G>T (NM_198156.3); short protein forms S146I.
Identifiers: ClinVar variation 949542 (VCV000949542.8), dbSNP rs1696160349, ClinGen allele CA1139655736.

ClinVar aggregate classification (germline): Uncertain significance (1 of 4 stars; one submission).

Conditions:
Von Hippel-Lindau syndrome (VHLS). Also called: von Hippel–Lindau syndrome; VHL syndrome; Von Hippel-Lindau. Identifiers: Orphanet 892, MedGen C0019562, MONDO:0008667, OMIM 193300. Disease mechanism: loss of function.
Chuvash polycythemia. Also called: POLYCYTHEMIA, VHL-DEPENDENT. Identifiers: Orphanet 238557, MedGen C1837915, MONDO:0009892, OMIM 263400.

Submission:

Labcorp Genetics (formerly Invitae), Labcorp
Classification: Uncertain significance for Von Hippel-Lindau syndrome; Chuvash polycythemia. Last evaluated: 2021-09-20. Review status: criteria provided, single submitter. Criteria: Invitae Variant Classification Sherloc (09022015). Collection method: clinical testing. Allele origin: germline.
Comment: Experimental studies and prediction algorithms are not available or were not evaluated, and the functional significance of this variant is currently unknown. This variant has not been reported in the literature in individuals affected with VHL-related conditions. The frequency data for this variant in the population databases is considered unreliable, as metrics indicate insufficient coverage at this position in the ExAC database. In summary, the available evidence is currently insufficient to determine the role of this variant in disease. Therefore, it has been classified as a Variant of Uncertain Significance. This sequence change falls in intron 1 of the VHL gene. It is not expected to change the encoded amino acid sequence of the VHL protein. However, this sequence change falls within a cryptic exon in the VHL gene, known as exon E1’, which is naturally expressed at low levels in several human tissues (PMID: 29891534).

Literature cited by the submitters: PubMed 29891534.